The following is an entry in ClinVar:

NM_000237.3(LPL):c.1259G>A (p.Trp420Ter)

Gene: LPL (lipoprotein lipase; plus strand). Cytogenetic location: 8p21.3.
Variant type: single nucleotide variant.
Coding change: c.1259G>A on transcript NM_000237.3 (MANE Select); coding-DNA position 1259, G replaced by A.
Protein change: p.Trp420Ter; replaces tryptophan 420 with a stop codon.
Molecular consequence: nonsense.
Genome position (GRCh38, 1-based): chr8:19,961,020, G>A. VCF-style: chr8-19961020-G-A. GRCh37 (hg19) VCF-style: chr8-19818531-G-A.
Other names: short protein forms W420*.
Identifiers: ClinVar variation 1448765 (VCV001448765.8), dbSNP rs747786336, ClinGen allele CA4655680.

ClinVar aggregate classification (germline): Pathogenic (1 of 4 stars; one submission).

Allele frequency attached by ClinVar (database versions not stated): gnomAD exomes below 0.00001; TOPMed below 0.00001; ExAC 0.00001; gnomAD 0.00001.
gnomAD v4.1: 3 of 1,614,044 alleles (0.00019%); highest among the groups gnomAD compares: South Asian, 0.0011%; no homozygotes.

Submission:

Labcorp Genetics (formerly Invitae), Labcorp
Classification: Pathogenic. Last evaluated: 2021-06-13. Review status: criteria provided, single submitter. Criteria: Invitae Variant Classification Sherloc (09022015). Collection method: clinical testing. Allele origin: germline.
Comment: This sequence change creates a premature translational stop signal (p.Trp420*) in the LPL gene. It is expected to result in an absent or disrupted protein product. Loss-of-function variants in LPL are known to be pathogenic (PMID: 11334614). This variant is present in population databases (rs747786336, ExAC 0.001%). This variant has been observed in individual(s) with clinical features of chylomicronemia (PMID: 25966443). For these reasons, this variant has been classified as Pathogenic.

Literature cited by the submitters: PubMed 11334614; PubMed 25966443.